The following is an entry in ClinVar:

NM_005751.5(AKAP9):c.4046C>T (p.Ser1349Phe)

Gene: AKAP9 (A-kinase anchoring protein 9; plus strand). Cytogenetic location: 7q21.2.
Variant type: single nucleotide variant.
Coding change: c.4046C>T on transcript NM_005751.5 (MANE Select); coding-DNA position 4046, C replaced by T.
Protein change: p.Ser1349Phe; replaces serine 1349 with phenylalanine.
Molecular consequence: missense variant.
Genome position (GRCh38, 1-based): chr7:92,022,907, C>T. VCF-style: chr7-92022907-C-T. GRCh37 (hg19) VCF-style: chr7-91652221-C-T.
Other names: c.4046C>T, p.Ser1349Phe (NM_147185.3); short protein forms S1349F.
Identifiers: ClinVar variation 1737323 (VCV001737323.3), dbSNP rs1449568966, ClinGen allele CA368127854.

ClinVar aggregate classification (germline): Uncertain significance (1 of 4 stars; one submission).

Conditions:
Cardiovascular phenotype. Identifiers: MedGen CN230736.

Allele frequency attached by ClinVar (database versions not stated): gnomAD 0.00001; TOPMed 0.00001.
gnomAD v4.1: 12 of 1,613,520 alleles (0.00074%); highest among the groups gnomAD compares: African/African-American, 0.0013%; no homozygotes.

Submission:

Ambry Genetics
Classification: Uncertain significance for Cardiovascular phenotype. Last evaluated: 2025-04-23. Review status: criteria provided, single submitter. Criteria: Ambry Variant Classification Scheme 2023. Collection method: clinical testing. Allele origin: germline.
Comment: The p.S1349F variant (also known as c.4046C>T), located in coding exon 14 of the AKAP9 gene, results from a C to T substitution at nucleotide position 4046. The serine at codon 1349 is replaced by phenylalanine, an amino acid with highly dissimilar properties. This amino acid position is not well conserved in available vertebrate species, and phenylalanine is the reference amino acid in other vertebrate species. In addition, this alteration is predicted to be tolerated by in silico analysis. Since supporting evidence is limited at this time, the clinical significance of this alteration remains unclear.